The following is an entry in ClinVar:

NM_145207.3(AFG2A):c.26G>A (p.Arg9Gln)

Gene: AFG2A (AAA ATPase AFG2A; plus strand). Cytogenetic location: 4q28.1.
Variant type: single nucleotide variant.
Coding change: c.26G>A on transcript NM_145207.3 (MANE Select); coding-DNA position 26, G replaced by A.
Protein change: p.Arg9Gln; replaces arginine 9 with glutamine.
Molecular consequence: missense variant.
Genome position (GRCh38, 1-based): chr4:122,923,168, G>A. VCF-style: chr4-122923168-G-A. GRCh37 (hg19) VCF-style: chr4-123844323-G-A.
Other names: c.26G>A, p.Arg9Gln (NM_001317799.2, NM_001345856.2); short protein forms R9Q.
Identifiers: ClinVar variation 2158983 (VCV002158983.3), dbSNP rs971847249, ClinGen allele CA104805192.

ClinVar aggregate classification (germline): Uncertain significance (1 of 4 stars; one submission).

Conditions:
Microcephaly-intellectual disability-sensorineural hearing loss-epilepsy-abnormal muscle tone syndrome (NEDHSB). Also called: NEURODEVELOPMENTAL DISORDER WITH HEARING LOSS, SEIZURES, AND BRAIN ABNORMALITIES. Identifiers: Orphanet 457351, MedGen C4225276, MONDO:0014698, OMIM 616577.

Allele frequency attached by ClinVar (database versions not stated): gnomAD 0.00001; TOPMed 0.00003.
gnomAD v4.1: 5 of 1,614,098 alleles (0.00031%); highest among the groups gnomAD compares: African/African-American, 0.0067%; no homozygotes.

Submission:

Labcorp Genetics (formerly Invitae), Labcorp
Classification: Uncertain significance for Microcephaly-intellectual disability-sensorineural hearing loss-epilepsy-abnormal muscle tone syndrome. Last evaluated: 2023-08-17. Review status: criteria provided, single submitter. Criteria: Invitae Variant Classification Sherloc (09022015). Collection method: clinical testing. Allele origin: germline.
Comment: This variant has not been reported in the literature in individuals affected with SPATA5-related conditions. This variant is present in population databases (no rsID available, gnomAD 0.01%). This sequence change replaces arginine, which is basic and polar, with glutamine, which is neutral and polar, at codon 9 of the SPATA5 protein (p.Arg9Gln). ClinVar contains an entry for this variant (Variation ID: 2158983). Advanced modeling of protein sequence and biophysical properties (such as structural, functional, and spatial information, amino acid conservation, physicochemical variation, residue mobility, and thermodynamic stability) has been performed at Invitae for this missense variant, however the output from this modeling did not meet the statistical confidence thresholds required to predict the impact of this variant on SPATA5 protein function. In summary, the available evidence is currently insufficient to determine the role of this variant in disease. Therefore, it has been classified as a Variant of Uncertain Significance.